The following is an entry in ClinVar:

NM_152594.3(SPRED1):c.838A>G (p.Ile280Val)

Gene: SPRED1 (sprouty related EVH1 domain containing 1; plus strand). Cytogenetic location: 15q14.
Variant type: single nucleotide variant.
Coding change: c.838A>G on transcript NM_152594.3 (MANE Select); coding-DNA position 838, A replaced by G.
Protein change: p.Ile280Val; replaces isoleucine 280 with valine.
Molecular consequence: missense variant.
Genome position (GRCh38, 1-based): chr15:38,351,167, A>G. VCF-style: chr15-38351167-A-G. GRCh37 (hg19) VCF-style: chr15-38643368-A-G.
Other names: short protein forms I280V.
Identifiers: ClinVar variation 3448774 (VCV003448774.1).
Genomic context (GRCh38, chr15:38,351,167, plus strand): 5'-GACTACAGACATCCTGACATGTGGAAAAATGACTTGGAAAGAGATGATGCTGATTCCAGT[A>G]TTCAGTTTTCTAAACCAGACAGTAAAAAATCAGACTATCTGTACTCTTGTGGGGATGAGA-3'
Protein context (NP_689807.1, residues 270-290): DLERDDADSS[Ile280Val]QFSKPDSKKS

ClinVar aggregate classification (germline): Uncertain significance (1 of 4 stars; one submission).

Conditions:
Cardiovascular phenotype. Identifiers: MedGen CN230736.

gnomAD v4.1: 4 of 1,614,142 alleles (0.00025%); highest among the groups gnomAD compares: South Asian, 0.0022%; no homozygotes.

Submission:

Ambry Genetics
Classification: Uncertain significance for Cardiovascular phenotype. Last evaluated: 2024-10-28. Review status: criteria provided, single submitter. Criteria: Ambry Variant Classification Scheme 2023. Collection method: clinical testing. Allele origin: germline.
Comment: The p.I280V variant (also known as c.838A>G), located in coding exon 7 of the SPRED1 gene, results from an A to G substitution at nucleotide position 838. The isoleucine at codon 280 is replaced by valine, an amino acid with highly similar properties. This amino acid position is conserved. In addition, this alteration is predicted to be tolerated by in silico analysis. Based on the available evidence, the clinical significance of this variant remains unclear.